The following is an entry in ClinVar:

NM_020921.4(NIN):c.1513C>G (p.Gln505Glu)

Gene: NIN (ninein; minus strand). Cytogenetic location: 14q22.1.
Variant type: single nucleotide variant.
Coding change: c.1513C>G on transcript NM_020921.4 (MANE Select); coding-DNA position 1513, C replaced by G.
Protein change: p.Gln505Glu; replaces glutamine 505 with glutamic acid.
Molecular consequence: missense variant.
Genome position (GRCh38, 1-based): chr14:50,766,812, G>C on the plus strand (C>G on the coding strand, the complement: NIN is on the minus strand). VCF-style: chr14-50766812-G-C. GRCh37 (hg19) VCF-style: chr14-51233530-G-C.
Other names: c.1513C>G (NM_020921.3); c.1513C>G, p.Gln505Glu (NM_016350.5, NM_182944.3, NM_182946.2); short protein forms Q505E.
Identifiers: ClinVar variation 2701363 (VCV002701363.4), dbSNP rs2042506730, ClinGen allele CA389664939.
Genomic context (GRCh38, chr14:50,766,812, plus strand): 5'-TCAGGAAATGAGATTTGAACAGGTTTACCTTTTCTGCTAACACATTTTCCAAATTTCTCT[G>C]AAGTTTGTTTGTCAGATTCTCATATTCTGCCAACTTCTCTGCATTTTCTAGAAGCTCATT-3'
Protein context (NP_065972.4, residues 495-515): AEYENLTNKL[Gln505Glu]RNLENVLAEK

ClinVar aggregate classification (germline): Uncertain significance. Review status: criteria provided, multiple submitters, no conflicts (2 of 4 stars). 2 submissions from 2 submitters: Uncertain significance (2). Last evaluated 2024-03-25.

Submissions (2):

Ambry Genetics
Classification: Uncertain significance. Last evaluated: 2024-03-25. Review status: criteria provided, single submitter. Criteria: Ambry Variant Classification Scheme 2023. Collection method: clinical testing. Allele origin: germline.

Labcorp Genetics (formerly Invitae), Labcorp
Classification: Uncertain significance. Last evaluated: 2023-12-17. Review status: criteria provided, single submitter. Criteria: Invitae Variant Classification Sherloc (09022015). Collection method: clinical testing. Allele origin: germline.
Comment: This sequence change replaces glutamine, which is neutral and polar, with glutamic acid, which is acidic and polar, at codon 505 of the NIN protein (p.Gln505Glu). This variant is not present in population databases (gnomAD no frequency). This variant has not been reported in the literature in individuals affected with NIN-related conditions. An algorithm developed to predict the effect of missense changes on protein structure and function (PolyPhen-2) suggests that this variant is likely to be disruptive. In summary, the available evidence is currently insufficient to determine the role of this variant in disease. Therefore, it has been classified as a Variant of Uncertain Significance.